The following is an entry in ClinVar:

NM_004863.4(SPTLC2):c.956+5T>C

Gene: SPTLC2 (serine palmitoyltransferase long chain base subunit 2; minus strand). Cytogenetic location: 14q24.3.
Variant type: single nucleotide variant.
Coding change: c.956+5T>C on transcript NM_004863.4 (MANE Select); 5 bases into the intron after coding-DNA position 956, T replaced by C.
Molecular consequence: intron variant.
Genome position (GRCh38, 1-based): chr14:77,557,036, A>G on the plus strand (T>C on the coding strand, the complement: SPTLC2 is on the minus strand). VCF-style: chr14-77557036-A-G. GRCh37 (hg19) VCF-style: chr14-78023379-A-G.
Identifiers: ClinVar variation 2036785 (VCV002036785.4), dbSNP rs750841544, ClinGen allele CA7289318.

ClinVar aggregate classification (germline): Uncertain significance (1 of 4 stars; one submission).

Conditions:
Neuropathy, hereditary sensory and autonomic, type 1C. Also called: HSAN IC; HSN IC. Identifiers: Orphanet 36386, MedGen C3150896, MONDO:0013337, OMIM 613640.

Allele frequency attached by ClinVar (database versions not stated): gnomAD exomes below 0.00001; ExAC 0.00002.
gnomAD v4.1: 5 of 1,611,146 alleles (0.00031%); highest among the groups gnomAD compares: Non-Finnish European, 0.00042%; no homozygotes.

Submission:

Labcorp Genetics (formerly Invitae), Labcorp
Classification: Uncertain significance for Neuropathy, hereditary sensory and autonomic, type 1C. Last evaluated: 2022-08-29. Review status: criteria provided, single submitter. Criteria: Invitae Variant Classification Sherloc (09022015). Collection method: clinical testing. Allele origin: germline.
Comment: This variant has not been reported in the literature in individuals affected with SPTLC2-related conditions. Variants that disrupt the consensus splice site are a relatively common cause of aberrant splicing (PMID: 17576681, 9536098). Algorithms developed to predict the effect of sequence changes on RNA splicing suggest that this variant is not likely to affect RNA splicing. In summary, the available evidence is currently insufficient to determine the role of this variant in disease. Therefore, it has been classified as a Variant of Uncertain Significance. This sequence change falls in intron 7 of the SPTLC2 gene. It does not directly change the encoded amino acid sequence of the SPTLC2 protein. It affects a nucleotide within the consensus splice site. This variant is present in population databases (rs750841544, gnomAD 0.002%).

Literature cited by the submitters: PubMed 17576681; PubMed 9536098.